The following is an entry in ClinVar:

NM_004304.5(ALK):c.2384T>C (p.Ile795Thr)

Gene: ALK (ALK receptor tyrosine kinase; minus strand). Cytogenetic location: 2p23.2.
Variant type: single nucleotide variant.
Coding change: c.2384T>C on transcript NM_004304.5 (MANE Select); coding-DNA position 2384, T replaced by C.
Protein change: p.Ile795Thr; replaces isoleucine 795 with threonine.
Molecular consequence: missense variant.
Genome position (GRCh38, 1-based): chr2:29,233,668, A>G on the plus strand (T>C on the coding strand, the complement: ALK is on the minus strand). VCF-style: chr2-29233668-A-G. GRCh37 (hg19) VCF-style: chr2-29456534-A-G.
Other names: short protein forms I795T.
Identifiers: ClinVar variation 404318 (VCV000404318.12), dbSNP rs763503560, ClinGen allele CA1594324.

ClinVar aggregate classification (germline): Uncertain significance. Review status: criteria provided, multiple submitters, no conflicts (2 of 4 stars). 2 submissions from 2 submitters: Uncertain significance (2). Last evaluated 2025-12-28.

Conditions:
Hereditary cancer-predisposing syndrome. Also called: Tumor predisposition; Neoplastic Syndromes, Hereditary; Hereditary Cancer Syndrome; Hereditary neoplastic syndrome. Identifiers: Orphanet 140162, MedGen C0027672, MeSH D009386, MONDO:0015356.
Neuroblastoma, susceptibility to, 3. Also called: ALK-Related Neuroblastic Tumor Susceptibility. Identifiers: Orphanet 635, MedGen C2751681, MONDO:0013083, OMIM 613014.

Allele frequency attached by ClinVar (database versions not stated): ExAC 0.00001; gnomAD exomes 0.00001 and 0.00002; TOPMed 0.00001.
gnomAD v4.1: 22 of 1,614,196 alleles (0.0014%); highest among the groups gnomAD compares: Admixed American, 0.005%; no homozygotes.

Submissions (2):

Labcorp Genetics (formerly Invitae), Labcorp
Classification: Uncertain significance for Neuroblastoma, susceptibility to, 3. Last evaluated: 2025-12-28. Review status: criteria provided, single submitter. Criteria: Invitae Variant Classification Sherloc (09022015). Collection method: clinical testing. Allele origin: germline.
Comment: This sequence change replaces isoleucine, which is neutral and non-polar, with threonine, which is neutral and polar, at codon 795 of the ALK protein (p.Ile795Thr). This variant is present in population databases (rs763503560, gnomAD 0.003%). This variant has not been reported in the literature in individuals affected with ALK-related conditions. ClinVar contains an entry for this variant (Variation ID: 404318). An algorithm developed to predict the effect of missense changes on protein structure and function (PolyPhen-2) suggests that this variant is likely to be tolerated. In summary, the available evidence is currently insufficient to determine the role of this variant in disease. Therefore, it has been classified as a Variant of Uncertain Significance.

Ambry Genetics
Classification: Uncertain significance for Hereditary cancer-predisposing syndrome. Last evaluated: 2024-02-16. Review status: criteria provided, single submitter. Criteria: Ambry Variant Classification Scheme 2023. Collection method: clinical testing. Allele origin: germline.
Comment: The p.I795T variant (also known as c.2384T>C), located in coding exon 14 of the ALK gene, results from a T to C substitution at nucleotide position 2384. The isoleucine at codon 795 is replaced by threonine, an amino acid with similar properties. This amino acid position is conserved. In addition, this alteration is predicted to be tolerated by in silico analysis. Since supporting evidence is limited at this time, the clinical significance of this alteration remains unclear.